The following is an entry in ClinVar:

ClinVar aggregate classification (germline): Uncertain significance. Review status: criteria provided, multiple submitters, no conflicts (2 of 4 stars). 2 submissions from 2 submitters: Uncertain significance (2). Last evaluated 2024-04-08.

Conditions:
Inborn genetic diseases. Identifiers: MedGen C0950123, MeSH D030342.

Allele frequency attached by ClinVar (database versions not stated): gnomAD exomes below 0.00001; gnomAD 0.00002; TOPMed 0.00003.
gnomAD v4.1: 8 of 1,553,544 alleles (0.00051%); highest among the groups gnomAD compares: African/African-American, 0.011%; no homozygotes.

Submissions (2):

Ambry Genetics
Classification: Uncertain significance for Inborn genetic diseases. Last evaluated: 2024-04-08. Review status: criteria provided, single submitter. Criteria: Ambry Variant Classification Scheme 2023. Collection method: clinical testing. Allele origin: germline.

Labcorp Genetics (formerly Invitae), Labcorp
Classification: Uncertain significance. Last evaluated: 2022-08-22. Review status: criteria provided, single submitter. Criteria: Invitae Variant Classification Sherloc (09022015). Collection method: clinical testing. Allele origin: germline.
Comment: In summary, the available evidence is currently insufficient to determine the role of this variant in disease. Therefore, it has been classified as a Variant of Uncertain Significance. Algorithms developed to predict the effect of sequence changes on RNA splicing suggest that this variant may disrupt the consensus splice site. Algorithms developed to predict the effect of missense changes on protein structure and function are either unavailable or do not agree on the potential impact of this missense change (SIFT: "Deleterious"; PolyPhen-2: "Possibly Damaging"; Align-GVGD: "Class C15"). This variant has not been reported in the literature in individuals affected with KIAA1549-related conditions. The frequency data for this variant in the population databases is considered unreliable, as metrics indicate poor data quality at this position in the gnomAD database. This sequence change replaces aspartic acid, which is acidic and polar, with glycine, which is neutral and non-polar, at codon 1859 of the KIAA1549 protein (p.Asp1859Gly).

NM_001164665.2(KIAA1549):c.5576A>G (p.Asp1859Gly)

Gene: KIAA1549 (KIAA1549; minus strand). Cytogenetic location: 7q34.
Variant type: single nucleotide variant.
Coding change: c.5576A>G on transcript NM_001164665.2 (MANE Select); coding-DNA position 5576, A replaced by G.
Protein change: p.Asp1859Gly; replaces aspartic acid 1859 with glycine.
Molecular consequence: missense variant.
Genome position (GRCh38, 1-based): chr7:138,840,155, T>C on the plus strand (A>G on the coding strand, the complement: KIAA1549 is on the minus strand). VCF-style: chr7-138840155-T-C. GRCh37 (hg19) VCF-style: chr7-138524900-T-C.
Other names: c.5576A>G, p.Asp1859Gly (NM_020910.3); c.5576A>G (NM_001164665.1); short protein forms D1859G.
Identifiers: ClinVar variation 2083048 (VCV002083048.3), dbSNP rs1013987542, ClinGen allele CA167136530.